The following is an entry in ClinVar:

ClinVar aggregate classification (germline): Pathogenic (1 of 4 stars; one submission).

Conditions:
Joubert syndrome 15 (JBTS15). Identifiers: Orphanet 475, MedGen C3280897, MONDO:0013763, OMIM 614464.

Submission:

Labcorp Genetics (formerly Invitae), Labcorp
Classification: Pathogenic for Joubert syndrome 15. Last evaluated: 2025-01-06. Review status: criteria provided, single submitter. Criteria: Invitae Variant Classification Sherloc (09022015). Collection method: clinical testing. Allele origin: germline.
Comment: This sequence change creates a premature translational stop signal (p.Gln19*) in the CEP41 gene. It is expected to result in an absent or disrupted protein product. Loss-of-function variants in CEP41 are known to be pathogenic (PMID: 22246503). This variant is not present in population databases (gnomAD no frequency). This variant has not been reported in the literature in individuals affected with CEP41-related conditions. For these reasons, this variant has been classified as Pathogenic.

Literature cited by the submitters: PubMed 22246503.

NM_018718.3(CEP41):c.55C>T (p.Gln19Ter)

Gene: CEP41 (centrosomal protein 41; minus strand). Cytogenetic location: 7q32.2.
Variant type: single nucleotide variant.
Coding change: c.55C>T on transcript NM_018718.3 (MANE Select); coding-DNA position 55, C replaced by T.
Protein change: p.Gln19Ter; replaces glutamine 19 with a stop codon.
Molecular consequence: nonsense. On other transcripts: non-coding transcript variant (1).
Genome position (GRCh38, 1-based): chr7:130,427,997, G>A on the plus strand (C>T on the coding strand, the complement: CEP41 is on the minus strand). VCF-style: chr7-130427997-G-A. GRCh37 (hg19) VCF-style: chr7-130067838-G-A.
Other names: c.55C>T, p.Gln19Ter (NM_001257158.2, NM_001257159.2, NM_001257160.2); short protein forms Q19*.
Identifiers: ClinVar variation 3621567 (VCV003621567.2).